The following is an entry in ClinVar:

ClinVar aggregate classification (germline): Uncertain significance (1 of 4 stars; one submission).

Conditions:
Disseminated atypical mycobacterial infection. Identifiers: MedGen C0694566.

gnomAD v4.1: 19 of 1,614,154 alleles (0.0012%); highest among the groups gnomAD compares: Non-Finnish European, 0.0016%; no homozygotes.

Submission:

Labcorp Genetics (formerly Invitae), Labcorp
Classification: Uncertain significance for Disseminated atypical mycobacterial infection. Last evaluated: 2023-06-20. Review status: criteria provided, single submitter. Criteria: Invitae Variant Classification Sherloc (09022015). Collection method: clinical testing. Allele origin: germline.
Comment: This variant is not present in population databases (gnomAD no frequency). This variant has not been reported in the literature in individuals affected with IFNGR1-related conditions. An algorithm developed to predict the effect of missense changes on protein structure and function (PolyPhen-2) suggests that this variant is likely to be disruptive. In summary, the available evidence is currently insufficient to determine the role of this variant in disease. Therefore, it has been classified as a Variant of Uncertain Significance. This sequence change replaces aspartic acid, which is acidic and polar, with valine, which is neutral and non-polar, at codon 413 of the IFNGR1 protein (p.Asp413Val).

NM_000416.3(IFNGR1):c.1238A>T (p.Asp413Val)

Gene: IFNGR1 (interferon gamma receptor 1; minus strand). Cytogenetic location: 6q23.3.
Variant type: single nucleotide variant.
Coding change: c.1238A>T on transcript NM_000416.3 (MANE Select); coding-DNA position 1238, A replaced by T.
Protein change: p.Asp413Val; replaces aspartic acid 413 with valine.
Molecular consequence: missense variant.
Genome position (GRCh38, 1-based): chr6:137,198,263, T>A on the plus strand (A>T on the coding strand, the complement: IFNGR1 is on the minus strand). VCF-style: chr6-137198263-T-A. GRCh37 (hg19) VCF-style: chr6-137519400-T-A.
Other names: c.1115A>T, p.Asp372Val (NM_001363527.1); c.1208A>T, p.Asp403Val (NM_001363526.1); short protein forms D372V, D403V, D413V.
Identifiers: ClinVar variation 2955106 (VCV002955106.3), dbSNP rs761112956, ClinGen allele CA148224101.